The following is an entry in ClinVar:

NM_005144.5(HR):c.2296G>A (p.Ala766Thr)

Gene: HR (HR lysine demethylase and nuclear receptor corepressor; minus strand). Cytogenetic location: 8p21.3.
Variant type: single nucleotide variant.
Coding change: c.2296G>A on transcript NM_005144.5 (MANE Select); coding-DNA position 2296, G replaced by A.
Protein change: p.Ala766Thr; replaces alanine 766 with threonine.
Molecular consequence: missense variant.
Genome position (GRCh38, 1-based): chr8:22,121,136, C>T on the plus strand (G>A on the coding strand, the complement: HR is on the minus strand). VCF-style: chr8-22121136-C-T. GRCh37 (hg19) VCF-style: chr8-21978649-C-T.
Other names: c.2296G>A, p.Ala766Thr (NM_018411.4); short protein forms A766T.
Identifiers: ClinVar variation 4822688 (VCV004822688.4).

ClinVar aggregate classification (germline): Uncertain significance (1 of 4 stars; one submission).

gnomAD v4.1: 4 of 1,613,774 alleles (0.00025%); highest among the groups gnomAD compares: East Asian, 0.0045%; no homozygotes.

Submission:

CeGaT Center for Human Genetics Tuebingen
Classification: Uncertain significance. Last evaluated: 2025-03-01. Review status: criteria provided, single submitter. Criteria: CeGaT Center For Human Genetics Tuebingen Variant Classification Criteria Version 2. Collection method: clinical testing. Allele origin: germline. Affected: yes. Observed: 1 variant allele.
Comment: HR: PM2, PP3